The following is an entry in ClinVar:

NM_033026.6(PCLO):c.6332dup (p.Ser2112fs)

Gene: PCLO (piccolo presynaptic cytomatrix protein; minus strand). Cytogenetic location: 7q21.11.
Variant type: Duplication.
Coding change: c.6332dup on transcript NM_033026.6 (MANE Select); coding-DNA position 6332, one base duplicated (T; older notation c.6332dupT).
Protein change: p.Ser2112fs; shifts the reading frame from serine 2112.
Molecular consequence: frameshift variant.
Genome position (GRCh38, 1-based): chr7:82,954,621, A duplicated on the plus strand (T on the coding strand, the reverse complement: PCLO is on the minus strand). VCF-style (leftmost placement, unchanged base first): chr7-82954620-G-GA. GRCh37 (hg19) VCF-style: chr7-82583936-G-GA.
Other names: c.6332dup, p.Ser2112fs (NM_014510.3); short protein forms S2112fs.
Identifiers: ClinVar variation 2704079 (VCV002704079.3), dbSNP rs2535702979, ClinGen allele CA2697557337.

ClinVar aggregate classification (germline): Pathogenic (1 of 4 stars; one submission).

Submission:

Labcorp Genetics (formerly Invitae), Labcorp
Classification: Pathogenic. Last evaluated: 2023-12-19. Review status: criteria provided, single submitter. Criteria: Invitae Variant Classification Sherloc (09022015). Collection method: clinical testing. Allele origin: germline.
Comment: This sequence change creates a premature translational stop signal (p.Ser2112Leufs*20) in the PCLO gene. It is expected to result in an absent or disrupted protein product. Loss-of-function variants in PCLO are known to be pathogenic (PMID: 25832664, 30287594). This variant is not present in population databases (gnomAD no frequency). This variant has not been reported in the literature in individuals affected with PCLO-related conditions. For these reasons, this variant has been classified as Pathogenic.

Literature cited by the submitters: PubMed 25832664; PubMed 30287594.